The following is an entry in ClinVar:

NM_001378457.1(DMXL2):c.8542G>T (p.Gly2848Ter)

Gene: DMXL2 (Dmx like 2; minus strand). Cytogenetic location: 15q21.2.
Variant type: single nucleotide variant.
Coding change: c.8542G>T on transcript NM_001378457.1 (MANE Select); coding-DNA position 8542, G replaced by T.
Protein change: p.Gly2848Ter; replaces glycine 2848 with a stop codon.
Molecular consequence: nonsense. On other transcripts: non-coding transcript variant (2).
Genome position (GRCh38, 1-based): chr15:51,455,213, C>A on the plus strand (G>T on the coding strand, the complement: DMXL2 is on the minus strand). VCF-style: chr15-51455213-C-A. GRCh37 (hg19) VCF-style: chr15-51747410-C-A.
Other names: c.8479G>T, p.Gly2827Ter (NM_001174116.3); c.6568G>T, p.Gly2190Ter (NM_001174117.3); c.8539G>T, p.Gly2847Ter (NM_001378458.1); c.8254G>T, p.Gly2752Ter (NM_001378459.1); c.6457G>T, p.Gly2153Ter (NM_001378460.1); c.8476G>T, p.Gly2826Ter (NM_015263.5); short protein forms G2190*, G2826*, G2847*, G2153*, G2752*, G2827*, G2848*.
Identifiers: ClinVar variation 2743205 (VCV002743205.3), dbSNP rs2542973463, ClinGen allele CA392433257.

ClinVar aggregate classification (germline): Pathogenic (1 of 4 stars; one submission).

Submission:

Labcorp Genetics (formerly Invitae), Labcorp
Classification: Pathogenic. Last evaluated: 2023-07-14. Review status: criteria provided, single submitter. Criteria: Invitae Variant Classification Sherloc (09022015). Collection method: clinical testing. Allele origin: germline.
Comment: For these reasons, this variant has been classified as Pathogenic. Algorithms developed to predict the effect of sequence changes on RNA splicing suggest that this variant may disrupt the consensus splice site. This variant has not been reported in the literature in individuals affected with DMXL2-related conditions. This variant is not present in population databases (gnomAD no frequency). This sequence change creates a premature translational stop signal (p.Gly2827*) in the DMXL2 gene. It is expected to result in an absent or disrupted protein product. Loss-of-function variants in DMXL2 are known to be pathogenic (PMID: 30237576, 31688942).

Literature cited by the submitters: PubMed 30237576; PubMed 31688942.